The following is an entry in ClinVar:

ClinVar aggregate classification (germline): Uncertain significance. Review status: criteria provided, multiple submitters, no conflicts (2 of 4 stars). 2 submissions from 2 submitters: Uncertain significance (2). Last evaluated 2024-02-23.

Conditions:
Inborn genetic diseases. Identifiers: MedGen C0950123, MeSH D030342.

Allele frequency attached by ClinVar (database versions not stated): gnomAD 0.00003 and 0.00004; ExAC 0.00005; gnomAD exomes 0.00005; TOPMed 0.00005.
gnomAD v4.1: 83 of 1,609,528 alleles (0.0052%); highest among the groups gnomAD compares: Middle Eastern, 0.12%; no homozygotes.

Submissions (2):

Labcorp Genetics (formerly Invitae), Labcorp
Classification: Uncertain significance. Last evaluated: 2024-02-23. Review status: criteria provided, single submitter. Criteria: Invitae Variant Classification Sherloc (09022015). Collection method: clinical testing. Allele origin: germline.
Comment: This sequence change replaces alanine, which is neutral and non-polar, with threonine, which is neutral and polar, at codon 248 of the SULT2B1 protein (p.Ala248Thr). This variant is present in population databases (rs199842613, gnomAD 0.009%). This variant has not been reported in the literature in individuals affected with SULT2B1-related conditions. ClinVar contains an entry for this variant (Variation ID: 1443354). Advanced modeling of protein sequence and biophysical properties (such as structural, functional, and spatial information, amino acid conservation, physicochemical variation, residue mobility, and thermodynamic stability) performed at Invitae indicates that this missense variant is not expected to disrupt SULT2B1 protein function with a negative predictive value of 80%. In summary, the available evidence is currently insufficient to determine the role of this variant in disease. Therefore, it has been classified as a Variant of Uncertain Significance.

Ambry Genetics
Classification: Uncertain significance for Inborn genetic diseases. Last evaluated: 2021-08-17. Review status: criteria provided, single submitter. Criteria: Ambry Variant Classification Scheme 2023. Collection method: clinical testing. Allele origin: germline.

NM_177973.2(SULT2B1):c.742G>A (p.Ala248Thr)

Gene: SULT2B1 (sulfotransferase family 2B member 1; plus strand). Cytogenetic location: 19q13.33.
Variant type: single nucleotide variant.
Coding change: c.742G>A on transcript NM_177973.2 (MANE Select); coding-DNA position 742, G replaced by A.
Protein change: p.Ala248Thr; replaces alanine 248 with threonine.
Molecular consequence: missense variant.
Genome position (GRCh38, 1-based): chr19:48,596,835, G>A. VCF-style: chr19-48596835-G-A. GRCh37 (hg19) VCF-style: chr19-49100092-G-A.
Other names: c.697G>A, p.Ala233Thr (NM_004605.2); c.742G>A (NM_177973.1); short protein forms A233T, A248T.
Identifiers: ClinVar variation 1443354 (VCV001443354.9), dbSNP rs199842613, ClinGen allele CA9553209.